The following is an entry in ClinVar:

ClinVar aggregate classification (germline): Likely pathogenic (1 of 4 stars; one submission).

Conditions:
Autosomal recessive nonsyndromic hearing loss 3. Also called: NEUROSENSORY NONSYNDROMIC RECESSIVE DEAFNESS 3. Identifiers: Orphanet 90636, MedGen C1838263, MONDO:0010860, OMIM 600316.

Submission:

Institute of Rare Diseases, West China Hospital, Sichuan University
Classification: Likely pathogenic for Autosomal recessive nonsyndromic hearing loss 3. Last evaluated: 2025-01-09. Review status: criteria provided, single submitter. Criteria: ClinGen HL ACMG Specifications v1. Collection method: research. Allele origin: germline. Affected: yes.
Comment: PP3;PM3_Strong;PM2_Supporting

NM_016239.4(MYO15A):c.6956+6T>C

Gene: MYO15A (myosin XVA; plus strand). Cytogenetic location: 17p11.2.
Variant type: single nucleotide variant.
Coding change: c.6956+6T>C on transcript NM_016239.4 (MANE Select); 6 bases into the intron after coding-DNA position 6956, T replaced by C.
Molecular consequence: intron variant.
Genome position (GRCh38, 1-based): chr17:18,148,958, T>C. VCF-style: chr17-18148958-T-C. GRCh37 (hg19) VCF-style: chr17-18052272-T-C.
Identifiers: ClinVar variation 3601384 (VCV003601384.1).